The following is an entry in ClinVar:

ClinVar aggregate classification (germline): Uncertain significance (1 of 4 stars; one submission).

Allele frequency attached by ClinVar (database versions not stated): ExAC 0.00001; gnomAD 0.00001; gnomAD exomes 0.00001; TOPMed 0.00001; ESP Exome Variant Server 0.00008.
gnomAD v4.1: 17 of 1,613,578 alleles (0.0011%); highest among the groups gnomAD compares: Non-Finnish European, 0.0014%; no homozygotes.

Submission:

Labcorp Genetics (formerly Invitae), Labcorp
Classification: Uncertain significance. Last evaluated: 2022-08-13. Review status: criteria provided, single submitter. Criteria: Invitae Variant Classification Sherloc (09022015). Collection method: clinical testing. Allele origin: germline.
Comment: This sequence change replaces glutamic acid, which is acidic and polar, with valine, which is neutral and non-polar, at codon 1039 of the SLC12A6 protein (p.Glu1039Val). This variant is present in population databases (rs376317708, gnomAD 0.002%). This variant has not been reported in the literature in individuals affected with SLC12A6-related conditions. Advanced modeling of protein sequence and biophysical properties (such as structural, functional, and spatial information, amino acid conservation, physicochemical variation, residue mobility, and thermodynamic stability) performed at Invitae indicates that this missense variant is not expected to disrupt SLC12A6 protein function. In summary, the available evidence is currently insufficient to determine the role of this variant in disease. Therefore, it has been classified as a Variant of Uncertain Significance.

NM_001365088.1(SLC12A6):c.3116A>T (p.Glu1039Val)

Gene: SLC12A6 (solute carrier family 12 member 6; minus strand). Cytogenetic location: 15q14.
Variant type: single nucleotide variant.
Coding change: c.3116A>T on transcript NM_001365088.1 (MANE Select); coding-DNA position 3116, A replaced by T.
Protein change: p.Glu1039Val; replaces glutamic acid 1039 with valine.
Molecular consequence: missense variant.
Genome position (GRCh38, 1-based): chr15:34,236,126, T>A on the plus strand (A>T on the coding strand, the complement: SLC12A6 is on the minus strand). VCF-style: chr15-34236126-T-A. GRCh37 (hg19) VCF-style: chr15-34528327-T-A.
Other names: c.2939A>T, p.Glu980Val (NM_001042494.2, NM_001042495.2); c.3089A>T, p.Glu1030Val (NM_001042496.2); c.3071A>T, p.Glu1024Val (NM_001042497.2); c.2963A>T, p.Glu988Val (NM_005135.2); c.3116A>T, p.Glu1039Val (NM_133647.2); short protein forms E1024V, E1030V, E988V, E1039V, E980V.
Identifiers: ClinVar variation 1979749 (VCV001979749.1), dbSNP rs376317708, ClinGen allele CA7463920.